The following is an entry in ClinVar:

NM_013314.4(BLNK):c.747-2A>G

Gene: BLNK (B cell linker; minus strand). Cytogenetic location: 10q24.1.
Variant type: single nucleotide variant.
Coding change: c.747-2A>G on transcript NM_013314.4 (MANE Select); the canonical splice acceptor site of the intron before coding-DNA position 747, A replaced by G.
Molecular consequence: splice acceptor variant.
Genome position (GRCh38, 1-based): chr10:96,207,901, T>C on the plus strand (A>G on the coding strand, the complement: BLNK is on the minus strand). VCF-style: chr10-96207901-T-C. GRCh37 (hg19) VCF-style: chr10-97967657-T-C.
Other names: c.432-2A>G (NM_001258442.2); c.678-2A>G (NM_001258441.2, NM_001114094.2); c.747-2A>G (NM_001258440.2).
Identifiers: ClinVar variation 2860444 (VCV002860444.3), dbSNP rs2492841066, ClinGen allele CA377721609.
Genomic context (GRCh38, chr10:96,207,901, plus strand): 5'-TGAAGCACTTTTAAATGCAAAATTAACTTACTGTCTTCAGTGGTGTCGTTGGTTTTTTCC[T>C]GGGGAATAAAAAGAGATGAGCTTTGTTAAAACACAACGAAGACAAAATGGAGCTATTTAC-3'

ClinVar aggregate classification (germline): Likely pathogenic (1 of 4 stars; one submission).

Conditions:
Agammaglobulinemia 4, autosomal recessive (AGM4). Also called: AGAMMAGLOBULINEMIA, AUTOSOMAL RECESSIVE, DUE TO BLNK DEFECT; B cell linker protein deficiency. Identifiers: MedGen C3150752, MONDO:0013289, OMIM 613502.

Allele frequency attached by ClinVar (database versions not stated): gnomAD exomes below 0.00001.
gnomAD v4.1: 2 of 1,614,048 alleles (0.00012%); highest among the groups gnomAD compares: Non-Finnish European, 0.00017%; no homozygotes.

Submission:

Labcorp Genetics (formerly Invitae), Labcorp
Classification: Likely pathogenic for Agammaglobulinemia 4, autosomal recessive. Last evaluated: 2023-04-28. Review status: criteria provided, single submitter. Criteria: Invitae Variant Classification Sherloc (09022015). Collection method: clinical testing. Allele origin: germline.
Comment: In summary, the currently available evidence indicates that the variant is pathogenic, but additional data are needed to prove that conclusively. Therefore, this variant has been classified as Likely Pathogenic. Algorithms developed to predict the effect of sequence changes on RNA splicing suggest that this variant may disrupt the consensus splice site. This variant has not been reported in the literature in individuals affected with BLNK-related conditions. This variant is not present in population databases (gnomAD no frequency). This sequence change affects an acceptor splice site in intron 9 of the BLNK gene. It is expected to disrupt RNA splicing. Variants that disrupt the donor or acceptor splice site typically lead to a loss of protein function (PMID: 16199547), and loss-of-function variants in BLNK are known to be pathogenic (PMID: 10583958, 24582315).

Literature cited by the submitters: PubMed 16199547; PubMed 10583958; PubMed 24582315.